The following is an entry in ClinVar:

NM_012203.2(GRHPR):c.271del (p.Asp91fs)

Gene: GRHPR (glyoxylate and hydroxypyruvate reductase; plus strand). Cytogenetic location: 9p13.2.
Variant type: Deletion.
Coding change: c.271del on transcript NM_012203.2 (MANE Select); coding-DNA position 271, one base deleted (G; older notation c.271delG).
Protein change: p.Asp91fs; shifts the reading frame from aspartic acid 91.
Molecular consequence: frameshift variant.
Genome position (GRCh38, 1-based): chr9:37,425,978, G deleted; the last of 2 consecutive G bases (chr9:37,425,977-37,425,978); deleting either gives the same sequence. VCF-style (leftmost placement, unchanged base first): chr9-37425976-TG-T. GRCh37 (hg19) VCF-style: chr9-37425973-TG-T.
Other names: short protein forms D91fs.
Identifiers: ClinVar variation 2664101 (VCV002664101.8), dbSNP rs1823058034, ClinGen allele CA1846865798.

ClinVar aggregate classification (germline): Pathogenic/Likely pathogenic. Review status: criteria provided, multiple submitters, no conflicts (2 of 4 stars). 4 submissions from 4 submitters: Pathogenic (3); Likely pathogenic (1). Last evaluated 2024-06-11.

Conditions:
Primary hyperoxaluria, type II (HP2). Also called: D-GLYCERATE DEHYDROGENASE DEFICIENCY; GLYCERIC ACIDURIA; GLYOXYLATE REDUCTASE/HYDROXYPYRUVATE REDUCTASE DEFICIENCY; OXALOSIS II; Primary hyperoxaluria type 2. Identifiers: Orphanet 416, Orphanet 93599, MedGen C0268165, MONDO:0009824, OMIM 260000. Disease mechanism: loss of function.
GRHPR-related disorders.

Submissions (4):

Fulgent Genetics
Classification: Pathogenic for Primary hyperoxaluria, type II. Last evaluated: 2024-06-11. Review status: criteria provided, single submitter. Criteria: ACMG Guidelines, 2015. Collection method: clinical testing. Allele origin: germline.

Blueprint Genetics
Classification: Likely pathogenic for GRHPR-related disorders. Last evaluated: 2023-11-16. Review status: criteria provided, single submitter. Criteria: ACMG Guidelines, 2015. Collection method: clinical testing. Allele origin: germline. Affected: yes. Observed: 2 variant alleles.

Rare Kidney Stone Consortium and the Mayo Clinic Hyperoxaluria Center, Mayo Clinic
Classification: Pathogenic for Primary hyperoxaluria, type II. Last evaluated: 2023-10-27. Review status: criteria provided, single submitter. Criteria: ACMG Guidelines, 2015. Collection method: clinical testing. Allele origin: germline. Affected: yes.
Comment: ACMG:PVS1 PM2 PM3

Labcorp Genetics (formerly Invitae), Labcorp
Classification: Pathogenic. Last evaluated: 2023-09-29. Review status: criteria provided, single submitter. Criteria: Invitae Variant Classification Sherloc (09022015). Collection method: clinical testing. Allele origin: germline.
Comment: This premature translational stop signal has been observed in individual(s) with primary hyperoxaluria (PMID: 25644115). This variant is not present in population databases (gnomAD no frequency). This sequence change creates a premature translational stop signal (p.Asp91Metfs*17) in the GRHPR gene. It is expected to result in an absent or disrupted protein product. Loss-of-function variants in GRHPR are known to be pathogenic (PMID: 25644115). For these reasons, this variant has been classified as Pathogenic.

Literature cited by the submitters: PubMed 25644115 (cited by Rare Kidney Stone Consortium and the Mayo Clinic Hyperoxaluria Center, Mayo Clinic and Labcorp Genetics (formerly Invitae), Labcorp).